The following is an entry in ClinVar:

NM_003126.4(SPTA1):c.6120G>A (p.Lys2040=)

Gene: SPTA1 (spectrin alpha, erythrocytic 1; minus strand). Cytogenetic location: 1q23.1.
Variant type: single nucleotide variant.
Coding change: c.6120G>A on transcript NM_003126.4 (MANE Select); coding-DNA position 6120, G replaced by A.
Protein change: p.Lys2040=; no amino-acid change (lysine 2040 retained).
Molecular consequence: synonymous variant.
Genome position (GRCh38, 1-based): chr1:158,622,983, C>T on the plus strand (G>A on the coding strand, the complement: SPTA1 is on the minus strand). VCF-style: chr1-158622983-C-T. GRCh37 (hg19) VCF-style: chr1-158592773-C-T.
Identifiers: ClinVar variation 993401 (VCV000993401.9), dbSNP rs1650012277, ClinGen allele CA421217766.

ClinVar aggregate classification (germline): Uncertain significance. Review status: criteria provided, multiple submitters, no conflicts (2 of 4 stars). 2 submissions from 2 submitters: Uncertain significance (2). Last evaluated 2025-12-16.

Conditions:
SPTA1-related disorder. Also called: SPTA1-related disorders; SPTA1-related condition.

Submissions (2):

3billion
Classification: Uncertain significance for SPTA1-related disorder. Last evaluated: 2025-12-16. Review status: criteria provided, single submitter. Criteria: ACMG Guidelines, 2015. Collection method: clinical testing. Allele origin: germline. Affected: yes.
Comment: The variant is not observed in the gnomAD v4.1.0 dataset. Predicted Consequence/Location: Synonymous variant In silico tools predict the variant to alter splicing and produce an abnormal transcript [SpliceAI: 0.88 (>=0.2, moderate evidence for spliceogenicity)]. The variant has been reported as of uncertain significance (ClinVar ID: VCV000993401). Therefore, this variant is classified as VUS according to the recommendation of ACMG/AMP guideline.

ARUP Laboratories, Molecular Genetics and Genomics, ARUP Laboratories
Classification: Uncertain significance. Last evaluated: 2019-12-18. Review status: criteria provided, single submitter. Criteria: ARUP Molecular Germline Variant Investigation Process. Collection method: clinical testing. Allele origin: germline.